The following is an entry in ClinVar:

ClinVar aggregate classification (germline): Uncertain significance. Review status: criteria provided, multiple submitters, no conflicts (2 of 4 stars). 2 submissions from 2 submitters: Uncertain significance (2). Last evaluated 2026-06-10.

Conditions:
Cardiovascular phenotype. Identifiers: MedGen CN230736.
Hereditary cancer-predisposing syndrome. Also called: Neoplastic Syndromes, Hereditary; Tumor predisposition; Hereditary Cancer Syndrome; Hereditary neoplastic syndrome. Identifiers: Orphanet 140162, MedGen C0027672, MeSH D009386, MONDO:0015356.

Submissions (2):

GeneDx
Classification: Uncertain significance. Last evaluated: 2026-06-10. Review status: criteria provided, single submitter. Criteria: GeneDx Variant Classification Process June 2021. Collection method: clinical testing. Allele origin: germline.
Comment: Not observed at significant frequency in large population cohorts (gnomAD); In silico analysis supports that this missense variant has a deleterious effect on protein structure/function; Has not been previously published as pathogenic or benign to our knowledge

Ambry Genetics
Classification: Uncertain significance for Cardiovascular phenotype; Hereditary cancer-predisposing syndrome. Last evaluated: 2025-09-12. Review status: criteria provided, single submitter. Criteria: Ambry Variant Classification Scheme 2023. Collection method: clinical testing. Allele origin: germline.
Comment: The p.H597R variant (also known as c.1790A>G), located in coding exon 16 of the LZTR1 gene, results from an A to G substitution at nucleotide position 1790. The histidine at codon 597 is replaced by arginine, an amino acid with highly similar properties. This amino acid position is conserved. In addition, the in silico prediction for this alteration is inconclusive. Based on the available evidence, the clinical significance of this variant remains unclear.

NM_006767.4(LZTR1):c.1790A>G (p.His597Arg)

Gene: LZTR1 (leucine zipper like post translational regulator 1; plus strand). Cytogenetic location: 22q11.21.
Variant type: single nucleotide variant.
Coding change: c.1790A>G on transcript NM_006767.4 (MANE Select); coding-DNA position 1790, A replaced by G.
Protein change: p.His597Arg; replaces histidine 597 with arginine.
Molecular consequence: missense variant.
Genome position (GRCh38, 1-based): chr22:20,994,874, A>G. VCF-style: chr22-20994874-A-G. GRCh37 (hg19) VCF-style: chr22-21349163-A-G.
Other names: short protein forms H597R.
Identifiers: ClinVar variation 4101954 (VCV004101954.3).